The following is an entry in ClinVar:

NM_194248.3(OTOF):c.145C>T (p.Arg49Trp)

Gene: OTOF (otoferlin; minus strand). Cytogenetic location: 2p23.3.
Variant type: single nucleotide variant.
Coding change: c.145C>T on transcript NM_194248.3 (MANE Select); coding-DNA position 145, C replaced by T.
Protein change: p.Arg49Trp; replaces arginine 49 with tryptophan.
Molecular consequence: missense variant.
Genome position (GRCh38, 1-based): chr2:26,527,914, G>A on the plus strand (C>T on the coding strand, the complement: OTOF is on the minus strand). VCF-style: chr2-26527914-G-A. GRCh37 (hg19) VCF-style: chr2-26750782-G-A.
Other names: c.145C>T, p.Arg49Trp (NM_001287489.2); short protein forms R49W.
Identifiers: ClinVar variation 48169 (VCV000048169.43), dbSNP rs61746568, ClinGen allele CA142740.

ClinVar aggregate classification (germline): Benign/Likely benign. Review status: criteria provided, multiple submitters, no conflicts (2 of 4 stars). 11 submissions from 11 submitters: Benign (7); Likely benign (4). Last evaluated 2026-08-01.

Conditions:
Autosomal recessive nonsyndromic hearing loss 9. Also called: Deafness, autosomal recessive 9; AUDITORY NEUROPATHY, AUTOSOMAL RECESSIVE, 1, TEMPERATURE-SENSITIVE; NEUROSENSORY NONSYNDROMIC RECESSIVE DEAFNESS 9; OTOF-Related Hearing Loss. Identifiers: Orphanet 90636, MedGen C1832828, MONDO:0010986, OMIM 601071.

Allele frequency attached by ClinVar (database versions not stated): TOPMed 0.00834; ExAC 0.00838; 1000 Genomes Project 0.00938; gnomAD 0.00630 and 0.00669; gnomAD exomes 0.00956 and 0.00424; ESP Exome Variant Server 0.00431; 1000 Genomes Project 30x 0.00968.
gnomAD v4.1: 7,337 of 1,613,334 alleles (0.45%); highest among the groups gnomAD compares: Admixed American, 3.1%; 63 homozygotes.

Submissions (11):

CeGaT Center for Human Genetics Tuebingen
Classification: Benign. Last evaluated: 2026-08-01. Review status: criteria provided, single submitter. Criteria: CeGaT Center For Human Genetics Tuebingen Variant Classification Criteria Version 2. Collection method: clinical testing. Allele origin: germline. Affected: yes. Observed: 7 variant alleles.
Comment: OTOF: BS1, BS2

Labcorp Genetics (formerly Invitae), Labcorp
Classification: Benign. Last evaluated: 2026-02-04. Review status: criteria provided, single submitter. Criteria: Invitae Variant Classification Sherloc (09022015). Collection method: clinical testing. Allele origin: germline.

Fulgent Genetics
Classification: Likely benign for Autosomal recessive nonsyndromic hearing loss 9. Last evaluated: 2022-04-28. Review status: criteria provided, single submitter. Criteria: ACMG Guidelines, 2015. Collection method: clinical testing. Allele origin: unknown.

Women's Health and Genetics/Laboratory Corporation of America, LabCorp
Classification: Likely benign. Last evaluated: 2021-12-10. Review status: criteria provided, single submitter. Criteria: LabCorp Variant Classification Summary - May 2015. Collection method: clinical testing. Allele origin: germline.

Athena Diagnostics
Classification: Benign. Last evaluated: 2019-07-26. Review status: criteria provided, single submitter. Criteria: Athena Diagnostics Criteria. Collection method: clinical testing. Allele origin: germline.

GeneDx
Classification: Benign. Last evaluated: 2018-01-18. Review status: criteria provided, single submitter. Criteria: GeneDx Variant Classification (06012015). Collection method: clinical testing. Allele origin: germline. Affected: yes.
Comment: This variant is considered likely benign or benign based on one or more of the following criteria: it is a conservative change, it occurs at a poorly conserved position in the protein, it is predicted to be benign by multiple in silico algorithms, and/or has population frequency not consistent with disease.

Illumina Laboratory Services, Illumina
Classification: Likely benign for Autosomal recessive nonsyndromic hearing loss 9. Last evaluated: 2017-04-27. Review status: criteria provided, single submitter. Criteria: ICSL Variant Classification Criteria 13 December 2019. Collection method: clinical testing. Allele origin: germline.
Comment: This variant was observed as part of a predisposition screen in an ostensibly healthy population. A literature search was performed for the gene, cDNA change, and amino acid change (where applicable). No publications were found based on this search. Allele frequency data from public databases allowed determination this variant is unlikely to cause disease. Therefore, this variant is classified as likely benign.

Eurofins Ntd Llc (ga)
Classification: Benign. Last evaluated: 2016-11-17. Review status: criteria provided, single submitter. Criteria: EGL Classification Definitions 2015. Collection method: clinical testing. Allele origin: germline. Observed: 1 variant allele, 1 heterozygote.

PreventionGenetics, part of Exact Sciences
Classification: Benign. Last evaluated: 2016-02-29. Review status: criteria provided, single submitter. Criteria: ACMG Guidelines, 2015. Collection method: clinical testing. Allele origin: germline.

Laboratory for Molecular Medicine, Mass General Brigham Personalized Medicine
Classification: Benign. Last evaluated: 2011-09-17. Review status: criteria provided, single submitter. Criteria: LMM Criteria. Collection method: clinical testing. Allele origin: germline. Observed: 31 variant alleles.
Comment: Arg49Trp in exon 3 of OTOF: This variant is not expected to have clinical signif icance due to an equal occurrence in Chinese proband chromosomes 2/146 (1.4%) an d ethnically matched control chromosomes 4/184 (2.2%) (Wang 2010).

Breakthrough Genomics
Classification: Likely benign. Review status: criteria provided, single submitter. Criteria: ACMG Guidelines, 2015. Collection method: not provided. Allele origin: germline. Inheritance: Autosomal recessive inheritance. Affected: yes.

Literature cited by the submitters: PubMed 20504331 (cited by Athena Diagnostics and Laboratory for Molecular Medicine, Mass General Brigham Personalized Medicine); PubMed 26969326 (cited by Athena Diagnostics); PubMed 22575033 (cited by Athena Diagnostics); PubMed 24053799 (cited by Athena Diagnostics); PubMed 27766948 (cited by Athena Diagnostics).